The following is an entry in ClinVar:

ClinVar aggregate classification (germline): Likely pathogenic (1 of 4 stars; one submission).

Conditions:
Lissencephaly due to TUBA1A mutation (CDCBM16). Also called: CORTICAL DYSPLASIA, COMPLEX, WITH OTHER BRAIN MALFORMATIONS 16; Lissencephaly 3. Identifiers: Orphanet 171680, MedGen C4305153, MONDO:0012703, OMIM 611603.

Submission:

Baylor Genetics
Classification: Likely pathogenic for Lissencephaly due to TUBA1A mutation. Last evaluated: 2020-07-24. Review status: criteria provided, single submitter. Criteria: ACMG Guidelines, 2015. Collection method: clinical testing. Allele origin: de novo. Affected: yes.
Comment: This variant was determined to be likely pathogenic according to ACMG Guidelines, 2015 [PMID:25741868].

NM_006009.4(TUBA1A):c.703G>C (p.Val235Leu)

Gene: TUBA1A (tubulin alpha 1a; minus strand). Cytogenetic location: 12q13.12.
Variant type: single nucleotide variant.
Coding change: c.703G>C on transcript NM_006009.4 (MANE Select); coding-DNA position 703, G replaced by C.
Protein change: p.Val235Leu; replaces valine 235 with leucine.
Molecular consequence: missense variant.
Genome position (GRCh38, 1-based): chr12:49,185,663, C>G on the plus strand (G>C on the coding strand, the complement: TUBA1A is on the minus strand). VCF-style: chr12-49185663-C-G. GRCh37 (hg19) VCF-style: chr12-49579446-C-G.
Other names: c.703G>C, p.Val235Leu (NM_001270399.2); c.598G>C, p.Val200Leu (NM_001270400.2); short protein forms V235L, V200L.
Identifiers: ClinVar variation 1028472 (VCV001028472.1), dbSNP rs1565627190, ClinGen allele CA384640545.
Genomic context (GRCh38, chr12:49,185,663, plus strand): 5'-ATTCTGTCAGGTCAACATTCAGGGCTCCATCAAATCTCAGGGAAGCAGTGATGGAGGACA[C>G]AATTTGACCTATTAACCTATTCAGGTTAGTATAGGTTGGACGCTCAATATCGAGGTTTCT-3'
Protein context (NP_006000.2, residues 225-245): TNLNRLIGQI[Val235Leu]SSITASLRFD